The following is an entry in ClinVar:

GRCh37/hg19 1p36.32(chr1:3101762-3155604)x1

Gene: PRDM16 (PR/SET domain 16; plus strand). Cytogenetic location: 1p36.32.
Variant type: copy number loss.
Change: copy number 1 (one copy instead of two) of chr1:3,101,762-3,155,604 (53.8 kb, GRCh37 coordinates, 1-based), cytogenetic band 1p36.32.
Identifiers: ClinVar variation 3391827 (VCV003391827.1).

ClinVar aggregate classification (germline): Likely pathogenic (1 of 4 stars; one submission).

Submission:

Quest Diagnostics Nichols Institute San Juan Capistrano
Classification: Likely pathogenic. Last evaluated: 2023-11-16. Review status: criteria provided, single submitter. Criteria: ACMG/ClinGen CNV Guidelines, 2019. Collection method: clinical testing. Allele origin: unknown.
Comment: This loss contains the second exon (NM_022114.4) of PRDM16 (OMIM 605557), which is expected to result in a reading frame shift. Heterozygous variants of PRDM16 are associated with autosomal dominant left ventricular noncompaction-8 (LVNC8) and dilated cardiomyopathy-1LL (CMD1LL; OMIM 615373, Delplancq 2020, Giannikou 2012, Ross 2020, Kramer 2023, Long 2017, Mazzarotto 2021, van Lint 2019). There are multiple similar copy number losses of this region in the general populations of the Database of Genomic Variants, although screening methods for various studies may not have excluded specific cardiac phenotypes. Thus, this copy number variant (CNV) is classified as likely pathogenic. References: Delplancq et al., Am J Med Genet C Semin Med Genet. 2020 Mar;184(1):129-135. PMID: 31965688; Giannikou et al., Gene. 2012 Sep 15;506(2):360-8. PMID: 22766398; Kramer et al., Circ Genom Precis Med. 2023 Aug;16(4):390-400. PMID: 37395136; Long et al., J Cardiovasc Dev Dis. 2017 Aug 8;4(3):11. PMID: 29367541; Mazzarotto et al., Genet Med. 2021 May;23(5):856-864. PMID: 33500567; Ross et al., Hum Genome Var. 2020 Oct 15:7:33. PMID: 33082984; van Lint et al., Neth Heart J. 2019 Jun;27(6):304-309. PMID: 30847666